The following is an entry in ClinVar:

ClinVar aggregate classification (germline): Uncertain significance. Review status: criteria provided, multiple submitters, no conflicts (2 of 4 stars). 3 submissions from 3 submitters: Uncertain significance (3). Last evaluated 2025-12-15.

Conditions:
USH2A-related disorder. Also called: USH2A-related disorders; USH2A-related condition. Identifiers: MedGen CN239332.

Allele frequency attached by ClinVar (database versions not stated): gnomAD exomes below 0.00001; ExAC 0.00001; gnomAD 0.00001; TOPMed 0.00001.
gnomAD v4.1: 3 of 1,613,964 alleles (0.00019%); highest among the groups gnomAD compares: African/African-American, 0.0027%; no homozygotes.

Submissions (3):

Labcorp Genetics (formerly Invitae), Labcorp
Classification: Uncertain significance. Last evaluated: 2025-12-15. Review status: criteria provided, single submitter. Criteria: Invitae Variant Classification Sherloc (09022015). Collection method: clinical testing. Allele origin: germline.
Comment: This sequence change replaces leucine, which is neutral and non-polar, with arginine, which is basic and polar, at codon 1246 of the USH2A protein (p.Leu1246Arg). This variant is present in population databases (rs757542673, gnomAD 0.007%). This missense change has been observed in individual(s) with retinitis pigmentosa (internal data). ClinVar contains an entry for this variant (Variation ID: 1929952). Invitae Evidence Modeling of protein sequence and biophysical properties (such as structural, functional, and spatial information, amino acid conservation, physicochemical variation, residue mobility, and thermodynamic stability) indicates that this missense variant is not expected to disrupt USH2A protein function with a negative predictive value of 95%. In summary, the available evidence is currently insufficient to determine the role of this variant in disease. Therefore, it has been classified as a Variant of Uncertain Significance.

PreventionGenetics, part of Exact Sciences
Classification: Uncertain significance for USH2A-related condition. Last evaluated: 2025-06-25. Review status: criteria provided, single submitter. Criteria: ACMG Guidelines, 2015. Collection method: clinical testing. Allele origin: germline.
Comment: The USH2A c.3737T>G variant is predicted to result in the amino acid substitution p.Leu1246Arg. To our knowledge, this variant has not been reported in the literature. This variant is reported in 0.0062% of alleles in individuals of African descent in gnomAD. At this time, the clinical significance of this variant is uncertain due to the absence of conclusive functional and genetic evidence.

Blueprint Genetics
Classification: Uncertain significance. Last evaluated: 2022-10-24. Review status: criteria provided, single submitter. Criteria: ACMG Guidelines, 2015. Collection method: clinical testing. Allele origin: germline.

NM_206933.4(USH2A):c.3737T>G (p.Leu1246Arg)

Genes: USH2A (usherin; minus strand), USH2A-AS1 (USH2A antisense RNA 1; plus strand). Cytogenetic location: 1q41.
Variant type: single nucleotide variant.
Coding change: c.3737T>G on transcript NM_206933.4 (MANE Select); coding-DNA position 3737, T replaced by G.
Protein change: p.Leu1246Arg; replaces leucine 1246 with arginine.
Molecular consequence: missense variant.
Genome position (GRCh38, 1-based): chr1:216,199,701, A>C on the plus strand (T>G on the coding strand, the complement: USH2A is on the minus strand). VCF-style: chr1-216199701-A-C. GRCh37 (hg19) VCF-style: chr1-216373043-A-C.
Other names: c.3737T>G (NM_206933.2); c.3737T>G, p.Leu1246Arg (NM_007123.6); short protein forms L1246R.
Identifiers: ClinVar variation 1929952 (VCV001929952.7), dbSNP rs757542673, ClinGen allele CA1395931.